The following is an entry in ClinVar:

ClinVar aggregate classification (germline): Likely pathogenic (1 of 4 stars; one submission).

Conditions:
ACTB-related disorder. Also called: ACTB-related disorders; ACTB-related condition.

Submission:

Rady Children's Institute for Genomic Medicine, Rady Children's Hospital San Diego
Classification: Likely pathogenic for ACTB-related disorder. Last evaluated: 2024-10-29. Review status: criteria provided, single submitter. Criteria: ACMG Guidelines, 2015. Collection method: clinical testing. Allele origin: germline. Affected: yes.
Comment: The ACTB gene is constrained against variation (Z-score= 7.69 and pLI = 1), and missense variation is an established mechanism of disease (HGMD, ClinVar database; PMID: 26583190). The c.1112A>G (p.His371Arg) variant affects a highly conserved amino acid and is predicted by multiple in silico tools to have a deleterious effect on protein function. This variant has been previously reported as a de novo heterozygous change in a patient with features of Baraitser-Winter cerebrofrontofacial syndrome including developmental delay, seizures, microcephaly, hypoplasia of the corpus callosum, and pectus excavatum (PMID: 37500730; Decipher Patient ID: 259221). The c.1112A>G (p.His371Arg) variant is absent from the latest version of the gnomAD population database and thus is presumed to be rare. Based on parental analysis, this variant likely occurred as a de novo event. Based on the available evidence, c.1112A>G (p.His371Arg) is classified as Likely Pathogenic.

NM_001101.5(ACTB):c.1112A>G (p.His371Arg)

Gene: ACTB (actin beta; minus strand). Cytogenetic location: 7p22.1.
Variant type: single nucleotide variant.
Coding change: c.1112A>G on transcript NM_001101.5 (MANE Select); coding-DNA position 1112, A replaced by G.
Protein change: p.His371Arg; replaces histidine 371 with arginine.
Molecular consequence: missense variant.
Genome position (GRCh38, 1-based): chr7:5,527,764, T>C on the plus strand (A>G on the coding strand, the complement: ACTB is on the minus strand). VCF-style: chr7-5527764-T-C. GRCh37 (hg19) VCF-style: chr7-5567395-T-C.
Other names: short protein forms H371R.
Identifiers: ClinVar variation 3773846 (VCV003773846.1).